The following is an entry in ClinVar:

ClinVar aggregate classification (germline): Uncertain significance. Review status: criteria provided, multiple submitters, no conflicts (2 of 4 stars). 2 submissions from 2 submitters: Uncertain significance (2). Last evaluated 2025-04-07.

Conditions:
T-cell immunodeficiency, congenital alopecia, and nail dystrophy. Also called: Congenital alopecia and nail dystrophy associated with severe functional T-cell immunodeficiency; Pignata Guarino syndrome. Identifiers: Orphanet 169095, MedGen C1866426, MONDO:0011132, OMIM 601705.

Allele frequency attached by ClinVar (database versions not stated): TOPMed 0.00001; ExAC 0.00002; 1000 Genomes Project 30x 0.00016; 1000 Genomes Project 0.00020.
gnomAD v4.1: 95 of 1,609,016 alleles (0.0059%); highest among the groups gnomAD compares: East Asian, 0.21%; 1 homozygote.

Submissions (2):

Labcorp Genetics (formerly Invitae), Labcorp
Classification: Uncertain significance for T-cell immunodeficiency, congenital alopecia, and nail dystrophy. Last evaluated: 2025-04-07. Review status: criteria provided, single submitter. Criteria: Invitae Variant Classification Sherloc (09022015). Collection method: clinical testing. Allele origin: germline.
Comment: This sequence change replaces aspartic acid, which is acidic and polar, with tyrosine, which is neutral and polar, at codon 517 of the FOXN1 protein (p.Asp517Tyr). This variant is present in population databases (rs200053524, gnomAD 0.03%). This variant has not been reported in the literature in individuals affected with FOXN1-related conditions. ClinVar contains an entry for this variant (Variation ID: 322432). Invitae Evidence Modeling of protein sequence and biophysical properties (such as structural, functional, and spatial information, amino acid conservation, physicochemical variation, residue mobility, and thermodynamic stability) indicates that this missense variant is not expected to disrupt FOXN1 protein function with a negative predictive value of 80%. In summary, the available evidence is currently insufficient to determine the role of this variant in disease. Therefore, it has been classified as a Variant of Uncertain Significance.

Illumina Laboratory Services, Illumina
Classification: Uncertain significance for T-cell immunodeficiency, congenital alopecia, and nail dystrophy. Last evaluated: 2018-01-12. Review status: criteria provided, single submitter. Criteria: ICSL Variant Classification Criteria 13 December 2019. Collection method: clinical testing. Allele origin: germline.

NM_001369369.1(FOXN1):c.1549G>T (p.Asp517Tyr)

Gene: FOXN1 (forkhead box N1; plus strand). Cytogenetic location: 17q11.2.
Variant type: single nucleotide variant.
Coding change: c.1549G>T on transcript NM_001369369.1 (MANE Select); coding-DNA position 1549, G replaced by T.
Protein change: p.Asp517Tyr; replaces aspartic acid 517 with tyrosine.
Molecular consequence: missense variant.
Genome position (GRCh38, 1-based): chr17:28,535,120, G>T. VCF-style: chr17-28535120-G-T. GRCh37 (hg19) VCF-style: chr17-26862138-G-T.
Other names: c.1549G>T, p.Asp517Tyr (NM_003593.3); short protein forms D517Y.
Identifiers: ClinVar variation 322432 (VCV000322432.9), dbSNP rs200053524, ClinGen allele CA8459557.
Genomic context (GRCh38, chr17:28,535,120, plus strand): 5'-ACCCCACCCAGCCACAGTGCCAAGCTACTGGCCGAGCCTTCCCCAGCCAGGACTATGCAC[G>T]ACACCCTGCTGCCAGATGGAGACCTTGGCACTGACCTGGATGCCATCAATCCCTCACTCA-3'
Protein context (NP_001356298.1, residues 507-527): AEPSPARTMH[Asp517Tyr]TLLPDGDLGT